The following is an entry in ClinVar:

ClinVar aggregate classification (germline): Pathogenic/Likely pathogenic. Review status: criteria provided, multiple submitters, no conflicts (2 of 4 stars). 2 submissions from 2 submitters: Pathogenic (1); Likely pathogenic (1). Last evaluated 2025-10-07.

Conditions:
Retinitis pigmentosa 93. Identifiers: MedGen C5676970, MONDO:0030797, OMIM 619845.
COACH syndrome 2. Identifiers: MedGen C5436837, MONDO:0030859, OMIM 619111.
Meckel syndrome, type 6. Identifiers: Orphanet 564, MedGen C2676790, MONDO:0012848, OMIM 612284.
Joubert syndrome 9 (JBTS9). Identifiers: Orphanet 2318, MedGen C2676788, MONDO:0012849, OMIM 612285.
Joubert syndrome and related disorders. Identifiers: Orphanet 140874, MedGen C5679612, MONDO:0015369.

Submissions (2):

Myriad Genetics, Inc.
Classification: Pathogenic for Joubert syndrome and related disorders. Last evaluated: 2025-10-07. Review status: criteria provided, single submitter. Criteria: Myriad Autosomal Dominant, Autosomal Recessive and X-Linked Classification Criteria (2023). Collection method: clinical testing. Allele origin: unknown.
Comment: NM_001080522.2(CC2D2A):c.278delC(T93Kfs*8) is expected to be pathogenic in the context of CC2D2A-related disorders. This variant is predicted to lead to an abnormal or absent protein product due to the creation of a premature termination codon in CC2D2A, a gene where loss-of-function variants are known to be pathogenic. Please note: this variant was assessed in the context of healthy population screening.

Fulgent Genetics
Classification: Likely pathogenic for Meckel syndrome, type 6; Joubert syndrome 9; COACH syndrome 2; Retinitis pigmentosa 93. Last evaluated: 2024-06-21. Review status: criteria provided, single submitter. Criteria: ACMG Guidelines, 2015. Collection method: clinical testing. Allele origin: germline.

NM_001378615.1(CC2D2A):c.278del (p.Thr93fs)

Genes: CC2D2A (coiled-coil and C2 domain containing 2A; plus strand), FBXL5 (F-box and leucine rich repeat protein 5; minus strand). Cytogenetic location: 4p15.32.
Variant type: Deletion.
Coding change: c.278del on transcript NM_001378615.1 (MANE Select); coding-DNA position 278, one base deleted (C; older notation c.278delC).
Protein change: p.Thr93fs; shifts the reading frame from threonine 93.
Molecular consequence: frameshift variant.
Genome position (GRCh38, 1-based): chr4:15,502,459, C deleted. VCF-style (leftmost placement, unchanged base first): chr4-15502458-AC-A. GRCh37 (hg19) VCF-style: chr4-15504081-AC-A.
Other names: c.278del, p.Thr93fs (NM_001080522.2); c.131del, p.Thr44fs (NM_001378617.1); short protein forms T93fs, T44fs.
Identifiers: ClinVar variation 3590261 (VCV003590261.2).
Genomic context (GRCh38, chr4:15,502,458, plus strand): 5'-ATTTTGTTTTGTTTTTGTTTTTGTTTTTTAGGCTTACCTCCAATTCCTTCAACTTCCAGA[AC>A]AGGCTTTGCAGAATTTTCCATGAGGGGACGCATGAGGGAGAAATTGCAAGCAGCGAGGGT-3'